The following is an entry in ClinVar:

ClinVar aggregate classification (germline): Uncertain significance (1 of 4 stars; one submission).

Allele frequency attached by ClinVar (database versions not stated): gnomAD exomes below 0.00001; gnomAD 0.00001 and 0.00002; TOPMed 0.00002.
gnomAD v4.1: 5 of 1,527,792 alleles (0.00033%); highest among the groups gnomAD compares: African/African-American, 0.0056%; no homozygotes.

Submission:

GeneDx
Classification: Uncertain significance. Last evaluated: 2021-10-28. Review status: criteria provided, single submitter. Criteria: GeneDx Variant Classification Process June 2021. Collection method: clinical testing. Allele origin: germline. Affected: yes.
Comment: In silico analysis supports that this missense variant does not alter protein structure/function; Has not been previously published as pathogenic or benign to our knowledge

NM_152722.5(HEPACAM):c.1213G>A (p.Glu405Lys)

Gene: HEPACAM (hepatic and glial cell adhesion molecule; minus strand). Cytogenetic location: 11q24.2.
Variant type: single nucleotide variant.
Coding change: c.1213G>A on transcript NM_152722.5 (MANE Select); coding-DNA position 1213, G replaced by A.
Protein change: p.Glu405Lys; replaces glutamic acid 405 with lysine.
Molecular consequence: missense variant.
Genome position (GRCh38, 1-based): chr11:124,921,176, C>T on the plus strand (G>A on the coding strand, the complement: HEPACAM is on the minus strand). VCF-style: chr11-124921176-C-T. GRCh37 (hg19) VCF-style: chr11-124791072-C-T.
Other names: short protein forms E405K.
Identifiers: ClinVar variation 1683880 (VCV001683880.2), dbSNP rs1012723414, ClinGen allele CA230384015.